The following is an entry in ClinVar:

NM_024598.4(USB1):c.226C>G (p.His76Asp)

Gene: USB1 (U6 snRNA biogenesis phosphodiesterase 1; plus strand). Cytogenetic location: 16q21.
Variant type: single nucleotide variant.
Coding change: c.226C>G on transcript NM_024598.4 (MANE Select); coding-DNA position 226, C replaced by G.
Protein change: p.His76Asp; replaces histidine 76 with aspartic acid.
Molecular consequence: missense variant.
Genome position (GRCh38, 1-based): chr16:58,002,606, C>G. VCF-style: chr16-58002606-C-G. GRCh37 (hg19) VCF-style: chr16-58036510-C-G.
Other names: c.226C>G, p.His76Asp (NM_001195302.2, NM_001204911.2, NM_001330569.2); c.73C>G, p.His25Asp (NM_001330568.2); short protein forms H25D, H76D.
Identifiers: ClinVar variation 4634213 (VCV004634213.1).
Genomic context (GRCh38, chr16:58,002,606, plus strand): 5'-ACCGAGGAGGGGCCTGAAGATGACAGCACAAAACACGGGGGACGGGTGCGCACCTTCCCC[C>G]ACGAGCGAGGCAACTGGGCCACCCACGTCTATGTACCATGTGAGTGATGTGTGAAAGGCA-3'
Protein context (NP_078874.2, residues 66-86): KHGGRVRTFP[His76Asp]ERGNWATHVY

ClinVar aggregate classification (germline): Uncertain significance (1 of 4 stars; one submission).

Conditions:
Inborn genetic diseases. Identifiers: MedGen C0950123, MeSH D030342.

gnomAD v4.1: 6 of 1,613,882 alleles (0.00037%); highest among the groups gnomAD compares: South Asian, 0.0033%; no homozygotes.

Submission:

Ambry Genetics
Classification: Uncertain significance for Inborn genetic diseases. Last evaluated: 2025-11-22. Review status: criteria provided, single submitter. Criteria: Ambry Variant Classification Scheme 2023. Collection method: clinical testing. Allele origin: germline.
Comment: The p.H76D variant (also known as c.226C>G), located in coding exon 2 of the USB1 gene, results from a C to G substitution at nucleotide position 226. The histidine at codon 76 is replaced by aspartic acid, an amino acid with similar properties. This amino acid position is conserved. In addition, this alteration is predicted to be deleterious by in silico analysis. Based on the available evidence, the clinical significance of this variant remains unclear.